The following is an entry in ClinVar:

NM_000466.3(PEX1):c.794G>A (p.Trp265Ter)

Gene: PEX1 (peroxisomal biogenesis factor 1; minus strand). Cytogenetic location: 7q21.2.
Variant type: single nucleotide variant.
Coding change: c.794G>A on transcript NM_000466.3 (MANE Select); coding-DNA position 794, G replaced by A.
Protein change: p.Trp265Ter; replaces tryptophan 265 with a stop codon.
Molecular consequence: nonsense.
Genome position (GRCh38, 1-based): chr7:92,517,721, C>T on the plus strand (G>A on the coding strand, the complement: PEX1 is on the minus strand). VCF-style: chr7-92517721-C-T. GRCh37 (hg19) VCF-style: chr7-92147035-C-T.
Other names: c.794G>A, p.Trp265Ter (NM_001282677.2); c.170G>A, p.Trp57Ter (NM_001282678.2); c.794G>A (NM_000466.2); short protein forms W265*, W57*.
Identifiers: ClinVar variation 2836115 (VCV002836115.5), dbSNP rs2484703325, ClinGen allele CA368199804.

ClinVar aggregate classification (germline): Pathogenic/Likely pathogenic. Review status: criteria provided, multiple submitters, no conflicts (2 of 4 stars). 3 submissions from 3 submitters: Pathogenic (1); Likely pathogenic (2). Last evaluated 2025-07-17.

Conditions:
Zellweger spectrum disorders (ZS). Also called: Zellweger syndrome; Zellweger Spectrum Disorder; Zellweger Spectrum; Zellweger Spectrum Disorder (ZSD). Identifiers: Orphanet 912, MedGen C0043459, MONDO:0019609.
Heimler syndrome 1 (HMLR1). Also called: PEROXISOME BIOGENESIS DISORDER 1C. Identifiers: Orphanet 3220, MedGen C4551980, OMIM 234580, MONDO:0024544.
Peroxisome biogenesis disorder 1A (Zellweger) (PBD1A). Also called: Peroxisome biogenesis disorder 1a; Zellweger leukodystrophy. Identifiers: MedGen C4721541, MONDO:0008953, OMIM 214100.
Peroxisome biogenesis disorder 1B (PBD1B). Also called: Refsum disease, infantile form; Infantile Refsum disease; Infantile form of phytanic acid storage disease; PEROXISOME BIOGENESIS DISORDER (NEONATAL ADRENOLEUKODYSTROPHY/INFANTILE REFSUM DISEASE); INFANTILE PHYTANIC ACID STORAGE DISEASE; PEROXISOME BIOGENESIS DISORDER (NALD/IRD). Identifiers: Orphanet 44, MedGen C0282527, MONDO:0011101, OMIM 601539.

Submissions (3):

Natera, Inc.
Classification: Likely pathogenic for Zellweger syndrome. Last evaluated: 2025-07-17. Review status: criteria provided, single submitter. Criteria: Natera Variant Classification Schema (03/2026). Collection method: clinical testing. Allele origin: germline.
Comment: The c.794G>A variant in PEX1 is a nonsense variant predicted to introduce a stop codon at amino acid 265. This variant is expected to result in nonsense mediated decay, truncation, or a dysfunctional protein product. This variant is rare in the general population with a frequency below the threshold expected for the associated phenotype(s). Given the available evidence, this variant is classified as Likely Pathogenic.

First Genomix Gene Laboratory, Genetic Diagnostics Department
Classification: Likely pathogenic for Peroxisome biogenesis disorder 1A (Zellweger); Peroxisome biogenesis disorder 1B; Heimler syndrome 1. Last evaluated: 2025-04-30. Review status: criteria provided, single submitter. Criteria: ACMG Guidelines, 2015. Collection method: clinical testing. Allele origin: germline. Inheritance: Autosomal recessive inheritance. Affected: no. Observed: 1 variant allele.

Labcorp Genetics (formerly Invitae), Labcorp
Classification: Pathogenic for Zellweger spectrum disorders. Last evaluated: 2023-12-21. Review status: criteria provided, single submitter. Criteria: Invitae Variant Classification Sherloc (09022015). Collection method: clinical testing. Allele origin: germline.
Comment: This sequence change creates a premature translational stop signal (p.Trp265*) in the PEX1 gene. It is expected to result in an absent or disrupted protein product. Loss-of-function variants in PEX1 are known to be pathogenic (PMID: 21031596, 26387595, 31831025). This variant is not present in population databases (gnomAD no frequency). This variant has not been reported in the literature in individuals affected with PEX1-related conditions. For these reasons, this variant has been classified as Pathogenic.

Literature cited by the submitters: PubMed 21031596 (cited by Labcorp Genetics (formerly Invitae), Labcorp); PubMed 26387595 (cited by Labcorp Genetics (formerly Invitae), Labcorp); PubMed 31831025 (cited by Labcorp Genetics (formerly Invitae), Labcorp).